The following is an entry in ClinVar:

ClinVar aggregate classification (germline): Uncertain significance. Review status: criteria provided, multiple submitters, no conflicts (2 of 4 stars). 2 submissions from 2 submitters: Uncertain significance (2). Last evaluated 2025-08-24.

Conditions:
Inborn genetic diseases. Identifiers: MedGen C0950123, MeSH D030342.
Epidermodysplasia verruciformis. Identifiers: Orphanet 302, MedGen C0014522, MONDO:0009176.

Allele frequency attached by ClinVar (database versions not stated): ExAC 0.00001; gnomAD 0.00001; gnomAD exomes 0.00001; TOPMed 0.00002.

Submissions (2):

Ambry Genetics
Classification: Uncertain significance for Inborn genetic diseases. Last evaluated: 2025-08-24. Review status: criteria provided, single submitter. Criteria: Ambry Variant Classification Scheme 2023. Collection method: clinical testing. Allele origin: germline.

Labcorp Genetics (formerly Invitae), Labcorp
Classification: Uncertain significance for Epidermodysplasia verruciformis. Last evaluated: 2022-07-19. Review status: criteria provided, single submitter. Criteria: Invitae Variant Classification Sherloc (09022015). Collection method: clinical testing. Allele origin: germline.
Comment: This sequence change replaces arginine, which is basic and polar, with cysteine, which is neutral and slightly polar, at codon 747 of the TMC6 protein (p.Arg747Cys). This variant is present in population databases (rs775954130, gnomAD 0.01%). This variant has not been reported in the literature in individuals affected with TMC6-related conditions. ClinVar contains an entry for this variant (Variation ID: 573529). Algorithms developed to predict the effect of missense changes on protein structure and function are either unavailable or do not agree on the potential impact of this missense change (SIFT: "Not Available"; PolyPhen-2: "Probably Damaging"; Align-GVGD: "Not Available"). In summary, the available evidence is currently insufficient to determine the role of this variant in disease. Therefore, it has been classified as a Variant of Uncertain Significance.

NM_001127198.5(TMC6):c.2239C>T (p.Arg747Cys)

Gene: TMC6 (transmembrane channel like 6; minus strand). Cytogenetic location: 17q25.3.
Variant type: single nucleotide variant.
Coding change: c.2239C>T on transcript NM_001127198.5 (MANE Select); coding-DNA position 2239, C replaced by T.
Protein change: p.Arg747Cys; replaces arginine 747 with cysteine.
Molecular consequence: missense variant. On other transcripts: non-coding transcript variant (4).
Genome position (GRCh38, 1-based): chr17:78,117,307, G>A on the plus strand (C>T on the coding strand, the complement: TMC6 is on the minus strand). VCF-style: chr17-78117307-G-A. GRCh37 (hg19) VCF-style: chr17-76113388-G-A.
Other names: c.2239C>T, p.Arg747Cys (NM_001321185.1, NM_001374596.1, NM_001375353.1 and 2 more transcripts); c.2059C>T, p.Arg687Cys (NM_001374593.1, NM_001374594.1); c.2239C>T (NM_007267.6); short protein forms R747C, R687C.
Identifiers: ClinVar variation 573529 (VCV000573529.8), dbSNP rs775954130, ClinGen allele CA8795369.